The following is an entry in ClinVar:

NM_000051.4(ATM):c.6010C>A (p.Leu2004Ile)

Genes: ATM (ATM serine/threonine kinase; plus strand), C11orf65 (chromosome 11 open reading frame 65; minus strand). Cytogenetic location: 11q22.3.
Variant type: single nucleotide variant.
Coding change: c.6010C>A on transcript NM_000051.4 (MANE Select); coding-DNA position 6010, C replaced by A.
Protein change: p.Leu2004Ile; replaces leucine 2004 with isoleucine.
Molecular consequence: missense variant. On other transcripts: intron variant (2).
Genome position (GRCh38, 1-based): chr11:108,315,826, C>A. VCF-style: chr11-108315826-C-A. GRCh37 (hg19) VCF-style: chr11-108186553-C-A.
Other names: c.6010C>A, p.Leu2004Ile (NM_001351834.2); c.641-6755G>T (NM_001330368.2); c.*39-6755G>T (NM_001351110.2); short protein forms L2004I.
Identifiers: ClinVar variation 407494 (VCV000407494.47), dbSNP rs1060501561, ClinGen allele CA16613171.

ClinVar aggregate classification (germline): Uncertain significance (1 of 4 stars; one submission).

Conditions:
Ataxia-telangiectasia syndrome (AT). Also called: LOUIS-BAR SYNDROME; Cerebello-oculocutaneous telangiectasia; Immunodeficiency with ataxia telangiectasia; Ataxia-telangiectasia, complementation group D; AT, COMPLEMENTATION GROUP C; Ataxia-telangiectasia, complementation group E. Identifiers: Orphanet 100, MedGen C0004135, MONDO:0008840, OMIM 208900.

Submission:

Labcorp Genetics (formerly Invitae), Labcorp
Classification: Uncertain significance for Ataxia-telangiectasia syndrome. Last evaluated: 2016-08-25. Review status: criteria provided, single submitter. Criteria: Invitae Variant Classification Sherloc (09022015). Collection method: clinical testing. Allele origin: germline.
Comment: In summary, this variant is a novel missense change with uncertain impact on protein function. It has been classified as a Variant of Uncertain Significance. Algorithms developed to predict the effect of missense changes on protein structure and function do not agree on the potential impact of this missense change (SIFT: "Deleterious"; PolyPhen-2: "Benign"; Align-GVGD: "Class C0"). This variant is not present in population databases (ExAC no frequency) and has not been reported in the literature in individuals with a ATM-related disease. This sequence change replaces leucine with isoleucine at codon 2004 of the ATM protein (p.Leu2004Ile). The leucine residue is highly conserved and there is a small physicochemical difference between leucine and isoleucine.